The following is an entry in ClinVar:

NM_000260.4(MYO7A):c.5579C>T (p.Ser1860Phe)

Gene: MYO7A (myosin VIIA; plus strand). Cytogenetic location: 11q13.5.
Variant type: single nucleotide variant.
Coding change: c.5579C>T on transcript NM_000260.4 (MANE Select); coding-DNA position 5579, C replaced by T.
Protein change: p.Ser1860Phe; replaces serine 1860 with phenylalanine.
Molecular consequence: missense variant.
Genome position (GRCh38, 1-based): chr11:77,205,560, C>T. VCF-style: chr11-77205560-C-T. GRCh37 (hg19) VCF-style: chr11-76916605-C-T.
Other names: c.5465C>T, p.Ser1822Phe (NM_001127180.2); c.5432C>T, p.Ser1811Phe (NM_001369365.1); short protein forms S1860F, S1811F, S1822F.
Identifiers: ClinVar variation 3634275 (VCV003634275.2).

ClinVar aggregate classification (germline): Uncertain significance (1 of 4 stars; one submission).

Submission:

Labcorp Genetics (formerly Invitae), Labcorp
Classification: Uncertain significance. Last evaluated: 2024-12-12. Review status: criteria provided, single submitter. Criteria: Invitae Variant Classification Sherloc (09022015). Collection method: clinical testing. Allele origin: germline.
Comment: This sequence change replaces serine, which is neutral and polar, with phenylalanine, which is neutral and non-polar, at codon 1860 of the MYO7A protein (p.Ser1860Phe). This variant is not present in population databases (gnomAD no frequency). This variant has not been reported in the literature in individuals affected with MYO7A-related conditions. Invitae Evidence Modeling of protein sequence and biophysical properties (such as structural, functional, and spatial information, amino acid conservation, physicochemical variation, residue mobility, and thermodynamic stability) has been performed for this missense variant. However, the output from this modeling did not meet the statistical confidence thresholds required to predict the impact of this variant on MYO7A protein function. In summary, the available evidence is currently insufficient to determine the role of this variant in disease. Therefore, it has been classified as a Variant of Uncertain Significance.